The following is an entry in ClinVar:

ClinVar aggregate classification (germline): Uncertain significance. Review status: criteria provided, multiple submitters, no conflicts (2 of 4 stars). 2 submissions from 2 submitters: Uncertain significance (2). Last evaluated 2024-07-29.

Conditions:
Inborn genetic diseases. Identifiers: MedGen C0950123, MeSH D030342.

Allele frequency attached by ClinVar (database versions not stated): gnomAD 0.00001; gnomAD exomes 0.00001 and 0.00003; TOPMed 0.00003; ExAC 0.00004.
gnomAD v4.1: 22 of 1,613,988 alleles (0.0014%); highest among the groups gnomAD compares: Middle Eastern, 0.016%; no homozygotes.

Submissions (2):

Labcorp Genetics (formerly Invitae), Labcorp
Classification: Uncertain significance. Last evaluated: 2024-07-29. Review status: criteria provided, single submitter. Criteria: Invitae Variant Classification Sherloc (09022015). Collection method: clinical testing. Allele origin: germline.
Comment: This sequence change replaces arginine with glutamine at codon 628 of the TRIM37 protein (p.Arg628Gln). The arginine residue is highly conserved and there is a small physicochemical difference between arginine and glutamine. This variant is present in population databases (rs772607886, gnomAD 0.01%). This variant has not been reported in the literature in individuals affected with TRIM37-related conditions. ClinVar contains an entry for this variant (Variation ID: 1360994). Advanced modeling of protein sequence and biophysical properties (such as structural, functional, and spatial information, amino acid conservation, physicochemical variation, residue mobility, and thermodynamic stability) performed at Invitae indicates that this missense variant is not expected to disrupt TRIM37 protein function with a negative predictive value of 80%. In summary, the available evidence is currently insufficient to determine the role of this variant in disease. Therefore, it has been classified as a Variant of Uncertain Significance.

Ambry Genetics
Classification: Uncertain significance for Inborn genetic diseases. Last evaluated: 2022-12-01. Review status: criteria provided, single submitter. Criteria: Ambry Variant Classification Scheme 2023. Collection method: clinical testing. Allele origin: germline.

NM_015294.6(TRIM37):c.1883G>A (p.Arg628Gln)

Gene: TRIM37 (tripartite motif containing 37; minus strand). Cytogenetic location: 17q22.
Variant type: single nucleotide variant.
Coding change: c.1883G>A on transcript NM_015294.6 (MANE Select); coding-DNA position 1883, G replaced by A.
Protein change: p.Arg628Gln; replaces arginine 628 with glutamine.
Molecular consequence: missense variant. On other transcripts: non-coding transcript variant (2).
Genome position (GRCh38, 1-based): chr17:59,031,961, C>T on the plus strand (G>A on the coding strand, the complement: TRIM37 is on the minus strand). VCF-style: chr17-59031961-C-T. GRCh37 (hg19) VCF-style: chr17-57109322-C-T.
Other names: c.1883G>A, p.Arg628Gln (NM_001005207.5, NM_001320988.3, NM_001320989.3 and 1 more transcripts); c.1781G>A, p.Arg594Gln (NM_001320987.3, NM_001353082.2); c.1517G>A, p.Arg506Gln (NM_001320990.3); c.1148G>A, p.Arg383Gln (NM_001353083.2); c.1421G>A, p.Arg474Gln (NM_001353085.2); c.1832G>A, p.Arg611Gln (NM_001353086.2); c.1883G>A (NM_015294.3); short protein forms R611Q, R383Q, R628Q, R474Q, R506Q, R594Q.
Identifiers: ClinVar variation 1360994 (VCV001360994.8), dbSNP rs772607886, ClinGen allele CA8678180.
Genomic context (GRCh38, chr17:59,031,961, plus strand): 5'-GGCTGCAGAAGTGAAGCAGGTGGGCGAGGCTGTAAGCCCCACAAATTTTCTATACTGCTC[C>T]GGTCCTTAAGGTCCAACAAATGTATTAAAATTAATGGATCAATGTCTAGTAAACTACTGG-3'
Protein context (NP_056109.1, residues 618-638): ILIHLLDLKD[Arg628Gln]SSIENLWGLQ